The following is an entry in ClinVar:

NM_033395.2(CEP295):c.7800A>G (p.Thr2600=)

Genes: CEP295 (centrosomal protein 295; plus strand), TAF1D (TATA-box binding protein associated factor, RNA polymerase I subunit D; minus strand). Cytogenetic location: 11q21.
Variant type: single nucleotide variant.
Coding change: c.7800A>G on transcript NM_033395.2 (MANE Select); coding-DNA position 7800, A replaced by G.
Protein change: p.Thr2600=; no amino-acid change (threonine 2600 retained).
Molecular consequence: synonymous variant. On other transcripts: non-coding transcript variant (2).
Genome position (GRCh38, 1-based): chr11:93,730,263, A>G. VCF-style: chr11-93730263-A-G. GRCh37 (hg19) VCF-style: chr11-93463429-A-G.
Identifiers: ClinVar variation 4681489 (VCV004681489.5).

ClinVar aggregate classification (germline): Likely benign (1 of 4 stars; one submission).

gnomAD v4.1: 67 of 1,547,824 alleles (0.0043%); highest among the groups gnomAD compares: Middle Eastern, 0.29%; 1 homozygote.

Submission:

CeGaT Center for Human Genetics Tuebingen
Classification: Likely benign. Last evaluated: 2025-12-01. Review status: criteria provided, single submitter. Criteria: CeGaT Center For Human Genetics Tuebingen Variant Classification Criteria Version 2. Collection method: clinical testing. Allele origin: germline. Affected: yes. Observed: 1 variant allele.
Comment: CEP295: BP4, BP7